The following is an entry in ClinVar:

ClinVar aggregate classification (germline): Likely pathogenic. Review status: criteria provided, multiple submitters, no conflicts (2 of 4 stars). 3 submissions from 3 submitters: Likely pathogenic (3). Last evaluated 2024-12-17.

Conditions:
PAX3-related disorder. Also called: PAX3-related condition.
Waardenburg syndrome type 3 (WS3). Also called: Klein-Waardenberg's syndrome; KLEIN-WAARDENBURG SYNDROME; WAARDENBURG SYNDROME WITH UPPER LIMB ANOMALIES. Identifiers: Orphanet 3440, Orphanet 896, MedGen C0079661, MONDO:0007862, OMIM 148820.
Waardenburg syndrome type 1 (WS1). Also called: Waardenburg Syndrome Type I; WAARDENBURG SYNDROME WITH DYSTOPIA CANTHORUM. Identifiers: Orphanet 894, MedGen C1847800, MONDO:0008670, OMIM 193500.

Submissions (3):

UNC Molecular Genetics  Laboratory, University of North Carolina at Chapel Hill
Classification: Likely pathogenic for Waardenburg syndrome type 3. Last evaluated: 2024-12-17. Review status: criteria provided, single submitter. Criteria: ACMG Guidelines, 2015. Collection method: research. Allele origin: unknown. Observed: 1 variant allele. Study: CSER_NCGENES_2.
Comment: PAX3 c.142G>T p.(Gly48Cys) is a missense variant which is predicted to change a single amino acid from a glycine to cysteine. This amino acid change is predicted to occur in a well-conserved paired box region of the DNA binding domain of the protein (PMID 29730428). This is a rare variant that is absent from the gnomAD population database. PAX3 c.142G>T p.(Gly48Cys) was previously reported in one individual presenting with sensorineural congenital hearing impairment, early graying, synophrys, telecanthus, blue irides, and a broad and high nasal root (Pardono et al. 2006; Genetics and Molecular Biology. 2006;29(4) and PMID 29407415). Based on the available evidence, this variant is classified as likely pathogenic.

Blueprint Genetics
Classification: Likely pathogenic for PAX3-related disorders. Last evaluated: 2022-11-25. Review status: criteria provided, single submitter. Criteria: ACMG Guidelines, 2015. Collection method: clinical testing. Allele origin: germline. Affected: yes. Observed: 1 variant allele.

Laboratory of Human Genetics, Universidade de São Paulo
Classification: Likely pathogenic for Waardenburg syndrome type 1. Last evaluated: 2017-03-01. Review status: criteria provided, single submitter. Criteria: ACMG Guidelines, 2015. Collection method: research. Allele origin: inherited. Inheritance: Autosomal dominant inheritance. Affected: yes.

Literature cited by the submitters: PubMed 29407415 (cited by UNC Molecular Genetics  Laboratory, University of North Carolina at Chapel Hill and Laboratory of Human Genetics, Universidade de São Paulo).

NM_181458.4(PAX3):c.142G>T (p.Gly48Cys)

Gene: PAX3 (paired box 3; minus strand). Cytogenetic location: 2q36.1.
Variant type: single nucleotide variant.
Coding change: c.142G>T on transcript NM_181458.4 (MANE Select); coding-DNA position 142, G replaced by T.
Protein change: p.Gly48Cys; replaces glycine 48 with cysteine.
Molecular consequence: missense variant.
Genome position (GRCh38, 1-based): chr2:222,297,157, C>A on the plus strand (G>T on the coding strand, the complement: PAX3 is on the minus strand). VCF-style: chr2-222297157-C-A. GRCh37 (hg19) VCF-style: chr2-223161876-C-A.
Other names: c.142G>T, p.Gly48Cys (NM_000438.6, NM_001127366.3, NM_013942.5 and 4 more transcripts); short protein forms G48C.
Identifiers: ClinVar variation 488032 (VCV000488032.4), dbSNP rs1419548558, ClinGen allele CA351113735.